The following is an entry in ClinVar:

ClinVar aggregate classification (germline): Conflicting classifications of pathogenicity. Review status: criteria provided, conflicting classifications (1 of 4 stars). 6 submissions from 6 submitters: Uncertain significance (4); Likely benign (1). 1 of the submissions does not count toward it. Last evaluated 2025-04-28.

Conditions:
Hereditary breast ovarian cancer syndrome. Also called: Hereditary breast and ovarian cancer syndrome (HBOC); Breast and ovarian cancer; Hereditary breast and ovarian cancer syndrome; Hereditary breast and/or ovarian cancer syndrome; BRCA1- and BRCA2-Associated Hereditary Breast and Ovarian Cancer; Hereditary breast and ovarian cancer. Identifiers: Orphanet 145, MedGen C0677776, MeSH D061325, MONDO:0003582. Disease mechanism: loss of function.
Familial prostate cancer. Also called: Hereditary Prostate Cancer. Identifiers: MedGen C2931456, MONDO:0700275, OMIM 176807.
Hereditary cancer-predisposing syndrome. Also called: Hereditary Cancer Syndrome; Hereditary neoplastic syndrome; Neoplastic Syndromes, Hereditary; Tumor predisposition. Identifiers: Orphanet 140162, MedGen C0027672, MeSH D009386, MONDO:0015356.

Submissions (6):

Color Diagnostics, LLC DBA Color Health
Classification: Uncertain significance for Hereditary cancer-predisposing syndrome. Last evaluated: 2025-04-28. Review status: criteria provided, single submitter. Criteria: ACMG Guidelines, 2015. Collection method: clinical testing. Allele origin: germline.
Comment: This missense variant replaces asparagine with serine at codon 1344 of the BRCA2 protein. Computational prediction suggests that this variant may not impact protein structure and function. To our knowledge, functional studies have not been reported for this variant. This variant has not been reported in individuals affected with BRCA2-related disorders in the literature. This variant has not been identified in the general population by the Genome Aggregation Database (gnomAD). The available evidence is insufficient to determine the role of this variant in disease conclusively. Therefore, this variant is classified as a Variant of Uncertain Significance.

Labcorp Genetics (formerly Invitae), Labcorp
Classification: Uncertain significance for Hereditary breast ovarian cancer syndrome. Last evaluated: 2024-10-13. Review status: criteria provided, single submitter. Criteria: Invitae Variant Classification Sherloc (09022015). Collection method: clinical testing. Allele origin: germline.
Comment: This sequence change replaces asparagine, which is neutral and polar, with serine, which is neutral and polar, at codon 1344 of the BRCA2 protein (p.Asn1344Ser). This variant is not present in population databases (gnomAD no frequency). This variant has not been reported in the literature in individuals affected with BRCA2-related conditions. ClinVar contains an entry for this variant (Variation ID: 2122350). Invitae Evidence Modeling of protein sequence and biophysical properties (such as structural, functional, and spatial information, amino acid conservation, physicochemical variation, residue mobility, and thermodynamic stability) indicates that this missense variant is not expected to disrupt BRCA2 protein function with a negative predictive value of 95%. In summary, the available evidence is currently insufficient to determine the role of this variant in disease. Therefore, it has been classified as a Variant of Uncertain Significance.

Ambry Genetics
Classification: Uncertain significance for Hereditary cancer-predisposing syndrome. Last evaluated: 2024-01-11. Review status: criteria provided, single submitter. Criteria: Ambry Variant Classification Scheme 2023. Collection method: clinical testing. Allele origin: germline.
Comment: The p.N1344S variant (also known as c.4031A>G), located in coding exon 10 of the BRCA2 gene, results from an A to G substitution at nucleotide position 4031. The asparagine at codon 1344 is replaced by serine, an amino acid with highly similar properties. This amino acid position is conserved. In addition, this alteration is predicted to be tolerated by in silico analysis. Since supporting evidence is limited at this time, the clinical significance of this alteration remains unclear.

University of Washington Department of Laboratory Medicine, University of Washington
Classification: Likely benign for Hereditary cancer-predisposing syndrome. Last evaluated: 2023-03-23. Review status: criteria provided, single submitter. Criteria: Dines et al. (Genet Med. 2020). Collection method: curation. Allele origin: germline.
Comment: Missense variant in a coldspot region where missense variants are very unlikely to be pathogenic (PMID:31911673).

BRCA2 exon 11 coldspot. Reclassification based on statistical prior probability.

Department of Pathology and Laboratory Medicine, Sinai Health System
Classification: Uncertain significance for Familial prostate cancer. Last evaluated: 2021-07-29. Review status: criteria provided, single submitter. Criteria: ACMG Guidelines, 2015. Collection method: clinical testing. Allele origin: germline. Affected: yes.

Genetic Services Laboratory, University of Chicago
Classification: Uncertain significance. Last evaluated: 2022-10-06. Review status: no assertion criteria provided. Collection method: clinical testing. Allele origin: germline. Affected: no. Not counted in ClinVar's aggregate classification.
Comment: DNA sequence analysis of the BRCA2 gene demonstrated a sequence change, c.4031A>G, in exon 11 that results in an amino acid change, p.Asn1344Ser. This sequence change does not appear to have been previously described in individuals with BRCA2-related disorders and has also not been described in population databases such as ExAC and gnomAD (dbSNP NA). The p.Asn1344Ser change affects a poorly conserved amino acid residue located in a domain of the BRCA2 protein that is known to be functional. The p.Asn1344Ser substitution appears to be benign using several in-silico pathogenicity prediction tools (SIFT, PolyPhen2, Align GVGD, REVEL). Due to insufficient evidences and the lack of functional studies, the clinical significance of the p.Asn1344Ser change remains unknown at this time.

NM_000059.4(BRCA2):c.4031A>G (p.Asn1344Ser)

Gene: BRCA2 (BRCA2 DNA repair associated; plus strand). Cytogenetic location: 13q13.1.
Variant type: single nucleotide variant.
Coding change: c.4031A>G on transcript NM_000059.4 (MANE Select); coding-DNA position 4031, A replaced by G.
Protein change: p.Asn1344Ser; replaces asparagine 1344 with serine.
Molecular consequence: missense variant.
Genome position (GRCh38, 1-based): chr13:32,338,386, A>G. VCF-style: chr13-32338386-A-G. GRCh37 (hg19) VCF-style: chr13-32912523-A-G.
Other names: c.4031A>G, p.Asn1344Ser (NM_001406719.1, NM_001406720.1); short protein forms N1344S.
Identifiers: ClinVar variation 2122350 (VCV002122350.10), dbSNP rs1593901214, ClinGen allele CA387779066.
Genomic context (GRCh38, chr13:32,338,386, plus strand): 5'-ATACTGCTGCCAGTAGAAATTCTCATAACTTAGAATTTGATGGCAGTGATTCAAGTAAAA[A>G]TGATACTGTTTGTATTCATAAAGATGAAACGGACTTGCTATTTACTGATCAGCACAACAT-3'
Protein context (NP_000050.3, residues 1334-1354): LEFDGSDSSK[Asn1344Ser]DTVCIHKDET